The following is an entry in ClinVar:

NC_000002.11:g.(?_108604612)_(108604809_?)del

Gene: SLC5A7 (solute carrier family 5 member 7; plus strand). Cytogenetic location: 2q12.3.
Variant type: Deletion.
Identifiers: ClinVar variation 2426681 (VCV002426681.5).

ClinVar aggregate classification (germline): Uncertain significance (1 of 4 stars; one submission).

Conditions:
Congenital myasthenic syndrome 20. Also called: Myasthenic syndrome, congenital, 20, presynaptic. Identifiers: MedGen C4310694, MONDO:0014939, OMIM 617143.
Neuronopathy, distal hereditary motor, type 7A. Also called: Neuronopathy, distal hereditary motor, type viia; HARPER-YOUNG MYOPATHY; HMN VIIA; SPINAL MUSCULAR ATROPHY, DISTAL, WITH VOCAL CORD PARALYSIS; NEURONOPATHY, DISTAL HEREDITARY MOTOR, HARDING TYPE VIIA; NEUROPATHY, DISTAL HEREDITARY MOTOR, HARDING TYPE VIIA. Identifiers: Orphanet 139589, MedGen C1834703, MONDO:0008024, OMIM 158580.

Submission:

Labcorp Genetics (formerly Invitae), Labcorp
Classification: Uncertain significance for Neuronopathy, distal hereditary motor, type 7A; Congenital myasthenic syndrome 20. Last evaluated: 2023-10-03. Review status: criteria provided, single submitter. Criteria: Invitae Variant Classification Sherloc (09022015). Collection method: clinical testing. Allele origin: germline.
Comment: This variant is a gross deletion of the genomic region encompassing exon(s) 2 of the SLC5A7 gene, which includes the initiator codon. This deletion extends beyond the assayed region for this gene and therefore may encompass additional genes. It is expected to result in an absent or disrupted protein product. However, the current clinical and genetic evidence is not sufficient to establish whether loss-of-function variants in SLC5A7 cause disease. This variant has not been reported in the literature in individuals affected with SLC5A7-related conditions. Experimental studies and prediction algorithms are not available or were not evaluated, and the functional significance of this variant is currently unknown. In summary, the available evidence is currently insufficient to determine the role of this variant in disease. Therefore, it has been classified as a Variant of Uncertain Significance.